The following is an entry in ClinVar:

NM_000238.4(KCNH2):c.1847A>C (p.Tyr616Ser)

Gene: KCNH2 (potassium voltage-gated channel subfamily H member 2; minus strand). Cytogenetic location: 7q36.1.
Variant type: single nucleotide variant.
Coding change: c.1847A>C on transcript NM_000238.4 (MANE Select); coding-DNA position 1847, A replaced by C.
Protein change: p.Tyr616Ser; replaces tyrosine 616 with serine.
Molecular consequence: missense variant. On other transcripts: non-coding transcript variant (2).
Genome position (GRCh38, 1-based): chr7:150,951,546, T>G on the plus strand (A>C on the coding strand, the complement: KCNH2 is on the minus strand). VCF-style: chr7-150951546-T-G. GRCh37 (hg19) VCF-style: chr7-150648634-T-G.
Other names: c.827A>C, p.Tyr276Ser (NM_001204798.2, NM_172057.3); c.1559A>C, p.Tyr520Ser (NM_001406753.1, NM_001406756.1); c.1670A>C, p.Tyr557Ser (NM_001406755.1); c.1547A>C, p.Tyr516Ser (NM_001406757.1); c.1847A>C, p.Tyr616Ser (NM_172056.3); short protein forms Y276S, Y516S, Y520S, Y557S, Y616S.
Identifiers: ClinVar variation 4879501 (VCV004879501.1).

ClinVar aggregate classification (germline): Likely pathogenic (1 of 4 stars; one submission).

Conditions:
Long QT syndrome 2 (LQT2). Identifiers: Orphanet 101016, Orphanet 768, MedGen C3150943, MONDO:0013367, OMIM 613688.

Submission:

Clinical Genomics Laboratory, Washington University in St. Louis
Classification: Likely pathogenic for Long QT syndrome 2. Last evaluated: 2026-03-26. Review status: criteria provided, single submitter. Criteria: ACMG Guidelines, 2015. Collection method: clinical testing. Allele origin: germline. Affected: yes.
Comment: The KCNH2 c.1847A>C (p.Tyr616Ser) variant has been reported in at least one family affected with long QT syndrome; however, this study has since been retracted due to errors and duplication in data (Shimizu W et al., PMID: 30758498; Shimizu W et al., PMID: 30758498). This variant is absent from the general population (gnomAD v4.1.0), indicating it is not a common variant. This variant resides within the pore helix region of KCNH2 that is defined as a critical functional domain (Anderson CL et al., PMID: 25417810). A different amino acid change in the same codon, c.1847A>G (p.Tyr616Cys), has been reported in at least one affected family and shows altered pore helix permeation in functional studies (Anderson CL et al., PMID: 25417810; Kapplinger JD et al., PMID: 19716085; Variation ID: 67295). Computational predictors indicate that the variant is damaging, evidence that correlates with the impact on KCNH2 function. Additionally, this variant segregates with disease in at least four affected family members (internal laboratory data). Based on the updates on familial segregation data and the ACMG/AMP guidelines for variant interpretation (Richards S et al., PMID: 25741868), this variant is reclassified as likely pathogenic.